The following is an entry in ClinVar:

ClinVar aggregate classification (germline): Pathogenic (0 of 4 stars; one submission).

Conditions:
Alkaptonuria (AKU). Also called: Alkaptonuric ochronosis; Homogentisic acidura; HOMOGENTISIC ACID OXIDASE DEFICIENCY; Alcaptonuria. Identifiers: Orphanet 56, MedGen C0002066, MONDO:0008753, OMIM 203500.

Submission:

Department Of Human Genetics, Institute Of Clinical And Translational Research, Biomedical Research Center, Slovak Academy Of Sciences
Classification: Pathogenic for Alkaptonuria. Review status: no assertion criteria provided. Collection method: research. Allele origin: germline. Inheritance: Autosomal recessive inheritance. Affected: yes. Observed: 1 variant allele.
Comment: The variant was originally described in PMID:25681086. It has been submitted to the HGD gene mutation database (DB-ID: AKU_00171).

Literature cited by the submitters: PubMed 25681086.

NM_000187.4(HGD):c.664_674dup (p.Asp226fs)

Gene: HGD (homogentisate 1,2-dioxygenase; minus strand). Cytogenetic location: 3q13.33.
Variant type: Duplication.
Coding change: c.664_674dup on transcript NM_000187.4 (MANE Select); coding-DNA positions 664 to 674, 11 bases duplicated (GCCAATCCTCG).
Protein change: p.Asp226fs; shifts the reading frame from aspartic acid 226.
Molecular consequence: frameshift variant.
Genome position (GRCh38, 1-based): chr3:120,644,419-120,644,429, CGAGGATTGGC duplicated on the plus strand (GCCAATCCTCG on the coding strand, the reverse complement: HGD is on the minus strand); duplicating any 11 consecutive bases within chr3:120,644,419-120,644,430 gives the same sequence; the c. name uses the placement nearest the transcript's 3' end. VCF-style (leftmost placement, unchanged base first): chr3-120644418-A-ACGAGGATTGGC. GRCh37 (hg19) VCF-style: chr3-120363265-A-ACGAGGATTGGC.
Other names: short protein forms D226fs.
Identifiers: ClinVar variation 2584702 (VCV002584702.2), dbSNP rs2472690163, ClinGen allele CA2582342878.
Genomic context (GRCh38, chr3:120,644,418, plus strand): 5'-GACCGTGTAACCACCTGGTACTTGGCGATCCTCATACCAGGCAATGGGTATCAAGAAATC[A>ACGAGGATTGGC]CGAGGATTGGCCAAGCCATTGGCCCCTAGAAAACAGTAACCCAAAAGTCTTTTAGAAACT-3'